The following is an entry in ClinVar:

NM_001843.4(CNTN1):c.2543A>C (p.His848Pro)

Gene: CNTN1 (contactin 1; plus strand). Cytogenetic location: 12q12.
Variant type: single nucleotide variant.
Coding change: c.2543A>C on transcript NM_001843.4 (MANE Select); coding-DNA position 2543, A replaced by C.
Protein change: p.His848Pro; replaces histidine 848 with proline.
Molecular consequence: missense variant.
Genome position (GRCh38, 1-based): chr12:41,025,169, A>C. VCF-style: chr12-41025169-A-C. GRCh37 (hg19) VCF-style: chr12-41418971-A-C.
Other names: c.2510A>C, p.His837Pro (NM_175038.2); short protein forms H837P, H848P.
Identifiers: ClinVar variation 1434847 (VCV001434847.8), dbSNP rs769577018, ClinGen allele CA384587418.

ClinVar aggregate classification (germline): Uncertain significance (1 of 4 stars; one submission).

Conditions:
Compton-North congenital myopathy (CMYO12). Identifiers: Orphanet 210163, MedGen C2675527, MONDO:0012929, OMIM 612540.

Submission:

Labcorp Genetics (formerly Invitae), Labcorp
Classification: Uncertain significance for Compton-North congenital myopathy. Last evaluated: 2024-01-02. Review status: criteria provided, single submitter. Criteria: Invitae Variant Classification Sherloc (09022015). Collection method: clinical testing. Allele origin: germline.
Comment: This sequence change replaces histidine, which is basic and polar, with proline, which is neutral and non-polar, at codon 848 of the CNTN1 protein (p.His848Pro). This variant is not present in population databases (gnomAD no frequency). This variant has not been reported in the literature in individuals affected with CNTN1-related conditions. ClinVar contains an entry for this variant (Variation ID: 1434847). Advanced modeling of protein sequence and biophysical properties (such as structural, functional, and spatial information, amino acid conservation, physicochemical variation, residue mobility, and thermodynamic stability) performed at Invitae indicates that this missense variant is not expected to disrupt CNTN1 protein function with a negative predictive value of 95%. In summary, the available evidence is currently insufficient to determine the role of this variant in disease. Therefore, it has been classified as a Variant of Uncertain Significance.